The following is an entry in ClinVar:

NM_014476.6(PDLIM3):c.629T>C (p.Val210Ala)

Gene: PDLIM3 (PDZ and LIM domain 3; minus strand). Cytogenetic location: 4q35.1.
Variant type: single nucleotide variant.
Coding change: c.629T>C on transcript NM_014476.6 (MANE Select); coding-DNA position 629, T replaced by C.
Protein change: p.Val210Ala; replaces valine 210 with alanine.
Molecular consequence: missense variant. On other transcripts: intron variant (3).
Genome position (GRCh38, 1-based): chr4:185,508,332, A>G on the plus strand (T>C on the coding strand, the complement: PDLIM3 is on the minus strand). VCF-style: chr4-185508332-A-G. GRCh37 (hg19) VCF-style: chr4-186429486-A-G.
Other names: c.162-1680T>C (NM_001257963.2); c.399-1680T>C (NM_001257962.2); c.519-1680T>C (NM_001114107.5); short protein forms V210A.
Identifiers: ClinVar variation 2945154 (VCV002945154.3), dbSNP rs2478341355, ClinGen allele CA358923627.

ClinVar aggregate classification (germline): Uncertain significance (1 of 4 stars; one submission).

Conditions:
Primary dilated cardiomyopathy (DCM). Also called: Dilated Cardiomyopathy. Identifiers: Orphanet 217604, MedGen C0007193, MeSH D002311, MONDO:0005021, HP:0001644. Inheritance: Various modes of inheritance.
Hypertrophic cardiomyopathy. Also called: HYPERTROPHIC MYOCARDIOPATHY. Identifiers: Orphanet 217569, MedGen C0007194, MeSH D002312, MONDO:0005045, HP:0001639.

Submission:

Labcorp Genetics (formerly Invitae), Labcorp
Classification: Uncertain significance for Hypertrophic cardiomyopathy; Primary dilated cardiomyopathy. Last evaluated: 2023-03-09. Review status: criteria provided, single submitter. Criteria: Invitae Variant Classification Sherloc (09022015). Collection method: clinical testing. Allele origin: germline.
Comment: This sequence change replaces valine, which is neutral and non-polar, with alanine, which is neutral and non-polar, at codon 210 of the PDLIM3 protein (p.Val210Ala). This variant is not present in population databases (gnomAD no frequency). This variant has not been reported in the literature in individuals affected with PDLIM3-related conditions. Advanced modeling of protein sequence and biophysical properties (such as structural, functional, and spatial information, amino acid conservation, physicochemical variation, residue mobility, and thermodynamic stability) performed at Invitae indicates that this missense variant is not expected to disrupt PDLIM3 protein function. In summary, the available evidence is currently insufficient to determine the role of this variant in disease. Therefore, it has been classified as a Variant of Uncertain Significance.